The following is an entry in ClinVar:

NM_017636.4(TRPM4):c.181T>A (p.Trp61Arg)

Gene: TRPM4 (transient receptor potential cation channel subfamily M member 4; plus strand). Cytogenetic location: 19q13.33.
Variant type: single nucleotide variant.
Coding change: c.181T>A on transcript NM_017636.4 (MANE Select); coding-DNA position 181, T replaced by A.
Protein change: p.Trp61Arg; replaces tryptophan 61 with arginine.
Molecular consequence: missense variant. On other transcripts: 5 prime UTR variant (1), intron variant (2).
Genome position (GRCh38, 1-based): chr19:49,166,129, T>A. VCF-style: chr19-49166129-T-A. GRCh37 (hg19) VCF-style: chr19-49669386-T-A.
Other names: c.181T>A, p.Trp61Arg (NM_001195227.2, NM_001321281.2); c.-1192T>A (NM_001321282.2); c.-74-2131T>A (NM_001321283.2); c.-237-2424T>A (NM_001321285.2); short protein forms W61R.
Identifiers: ClinVar variation 2417045 (VCV002417045.4), dbSNP rs779993609, ClinGen allele CA9568710.

ClinVar aggregate classification (germline): Uncertain significance (1 of 4 stars; one submission).

Conditions:
Progressive familial heart block type IB (PFHB1B). Identifiers: Orphanet 871, MedGen C1970298, MONDO:0011474, OMIM 604559.

Allele frequency attached by ClinVar (database versions not stated): gnomAD exomes below 0.00001; ExAC 0.00001.
gnomAD v4.1: 4 of 1,606,976 alleles (0.00025%); highest among the groups gnomAD compares: Admixed American, 0.0017%; no homozygotes.

Submission:

Labcorp Genetics (formerly Invitae), Labcorp
Classification: Uncertain significance for Progressive familial heart block type IB. Last evaluated: 2022-09-01. Review status: criteria provided, single submitter. Criteria: Invitae Variant Classification Sherloc (09022015). Collection method: clinical testing. Allele origin: germline.
Comment: This variant has not been reported in the literature in individuals affected with TRPM4-related conditions. The frequency data for this variant in the population databases is considered unreliable, as metrics indicate poor data quality at this position in the gnomAD database. This sequence change replaces tryptophan, which is neutral and slightly polar, with arginine, which is basic and polar, at codon 61 of the TRPM4 protein (p.Trp61Arg). In summary, the available evidence is currently insufficient to determine the role of this variant in disease. Therefore, it has been classified as a Variant of Uncertain Significance. Algorithms developed to predict the effect of missense changes on protein structure and function are either unavailable or do not agree on the potential impact of this missense change (SIFT: "Deleterious"; PolyPhen-2: "Possibly Damaging"; Align-GVGD: "Class C0").